The following is an entry in ClinVar:

ClinVar aggregate classification (germline): Conflicting classifications of pathogenicity. Review status: criteria provided, conflicting classifications (1 of 4 stars). 2 submissions from 2 submitters: Uncertain significance (1); Likely benign (1). Last evaluated 2025-04-01.

Submissions (2):

CeGaT Center for Human Genetics Tuebingen
Classification: Likely benign. Last evaluated: 2025-04-01. Review status: criteria provided, single submitter. Criteria: CeGaT Center For Human Genetics Tuebingen Variant Classification Criteria Version 2. Collection method: clinical testing. Allele origin: germline. Affected: yes. Observed: 1 variant allele.
Comment: HSPA9: BS2

Blueprint Genetics
Classification: Uncertain significance. Last evaluated: 2024-08-14. Review status: criteria provided, single submitter. Criteria: ACMG Guidelines, 2015. Collection method: clinical testing. Allele origin: germline.

NM_004134.7(HSPA9):c.347C>T (p.Thr116Ile)

Gene: HSPA9 (heat shock protein family A (Hsp70) member 9; minus strand). Cytogenetic location: 5q31.2.
Variant type: single nucleotide variant.
Coding change: c.347C>T on transcript NM_004134.7 (MANE Select); coding-DNA position 347, C replaced by T.
Protein change: p.Thr116Ile; replaces threonine 116 with isoleucine.
Molecular consequence: missense variant.
Genome position (GRCh38, 1-based): chr5:138,571,023, G>A on the plus strand (C>T on the coding strand, the complement: HSPA9 is on the minus strand). VCF-style: chr5-138571023-G-A. GRCh37 (hg19) VCF-style: chr5-137906712-G-A.
Other names: short protein forms T116I.
Identifiers: ClinVar variation 3898399 (VCV003898399.8).